The following is an entry in ClinVar:

NM_000059.4(BRCA2):c.6686A>C (p.Glu2229Ala)

Gene: BRCA2 (BRCA2 DNA repair associated; plus strand). Cytogenetic location: 13q13.1.
Variant type: single nucleotide variant.
Coding change: c.6686A>C on transcript NM_000059.4 (MANE Select); coding-DNA position 6686, A replaced by C.
Protein change: p.Glu2229Ala; replaces glutamic acid 2229 with alanine.
Molecular consequence: missense variant.
Genome position (GRCh38, 1-based): chr13:32,341,041, A>C. VCF-style: chr13-32341041-A-C. GRCh37 (hg19) VCF-style: chr13-32915178-A-C.
Other names: short protein forms E2229A.
Identifiers: ClinVar variation 1359590 (VCV001359590.9), dbSNP rs2072562512, ClinGen allele CA387790579.

ClinVar aggregate classification (germline): Conflicting classifications of pathogenicity. Review status: criteria provided, conflicting classifications (1 of 4 stars). 2 submissions from 2 submitters: Uncertain significance (1); Likely benign (1). Last evaluated 2023-03-23.

Conditions:
Hereditary cancer-predisposing syndrome. Also called: Tumor predisposition; Hereditary neoplastic syndrome; Neoplastic Syndromes, Hereditary; Hereditary Cancer Syndrome. Identifiers: Orphanet 140162, MedGen C0027672, MeSH D009386, MONDO:0015356.
Hereditary breast ovarian cancer syndrome. Also called: BRCA1- and BRCA2-Associated Hereditary Breast and Ovarian Cancer; Hereditary breast and ovarian cancer; Hereditary breast and/or ovarian cancer syndrome; Hereditary breast and ovarian cancer syndrome; Hereditary breast and ovarian cancer syndrome (HBOC); Breast and ovarian cancer. Identifiers: Orphanet 145, MedGen C0677776, MeSH D061325, MONDO:0003582. Disease mechanism: loss of function.

Submissions (2):

University of Washington Department of Laboratory Medicine, University of Washington
Classification: Likely benign for Hereditary cancer-predisposing syndrome. Last evaluated: 2023-03-23. Review status: criteria provided, single submitter. Criteria: Dines et al. (Genet Med. 2020). Collection method: curation. Allele origin: germline.
Comment: Missense variant in a coldspot region where missense variants are very unlikely to be pathogenic (PMID:31911673).

BRCA2 exon 11 coldspot. Reclassification based on statistical prior probability.

Labcorp Genetics (formerly Invitae), Labcorp
Classification: Uncertain significance for Hereditary breast ovarian cancer syndrome. Last evaluated: 2022-07-12. Review status: criteria provided, single submitter. Criteria: Invitae Variant Classification Sherloc (09022015). Collection method: clinical testing. Allele origin: germline.
Comment: In summary, the available evidence is currently insufficient to determine the role of this variant in disease. Therefore, it has been classified as a Variant of Uncertain Significance. Advanced modeling of protein sequence and biophysical properties (such as structural, functional, and spatial information, amino acid conservation, physicochemical variation, residue mobility, and thermodynamic stability) performed at Invitae indicates that this missense variant is not expected to disrupt BRCA2 protein function. ClinVar contains an entry for this variant (Variation ID: 1359590). This variant has not been reported in the literature in individuals affected with BRCA2-related conditions. This variant is not present in population databases (gnomAD no frequency). This sequence change replaces glutamic acid, which is acidic and polar, with alanine, which is neutral and non-polar, at codon 2229 of the BRCA2 protein (p.Glu2229Ala).